The following is an entry in ClinVar:

ClinVar aggregate classification (germline): Uncertain significance (1 of 4 stars; one submission).

Submission:

GeneDx
Classification: Uncertain significance. Last evaluated: 2025-03-11. Review status: criteria provided, single submitter. Criteria: GeneDx Variant Classification Process June 2021. Collection method: clinical testing. Allele origin: germline. Affected: yes.
Comment: Not observed at significant frequency in large population cohorts (gnomAD); In silico analysis supports that this missense variant has a deleterious effect on protein structure/function; Has not been previously published as pathogenic or benign to our knowledge; This substitution is predicted to be within the C-terminal cytoplasmic domain

NM_001165963.4(SCN1A):c.5936C>T (p.Thr1979Ile)

Genes: SCN1A (sodium voltage-gated channel alpha subunit 1; minus strand), LOC102724058 (uncharacterized LOC102724058; plus strand). Cytogenetic location: 2q24.3.
Variant type: single nucleotide variant.
Coding change: c.5936C>T on transcript NM_001165963.4 (MANE Select); coding-DNA position 5936, C replaced by T.
Protein change: p.Thr1979Ile; replaces threonine 1979 with isoleucine.
Molecular consequence: missense variant. On other transcripts: non-coding transcript variant (1).
Genome position (GRCh38, 1-based): chr2:165,991,339, G>A on the plus strand (C>T on the coding strand, the complement: SCN1A is on the minus strand). VCF-style: chr2-165991339-G-A. GRCh37 (hg19) VCF-style: chr2-166847849-G-A.
Other names: c.5852C>T, p.Thr1951Ile (NM_001165964.3, NM_001353957.2, NM_001353958.2); c.5936C>T, p.Thr1979Ile (NM_001202435.3, NM_001353948.2); c.5903C>T, p.Thr1968Ile (NM_001353949.2, NM_001353950.2, NM_001353951.2 and 2 more transcripts); c.5900C>T, p.Thr1967Ile (NM_001353954.2, NM_001353955.2); c.5849C>T, p.Thr1950Ile (NM_001353960.2); c.3494C>T, p.Thr1165Ile (NM_001353961.2); short protein forms T1165I, T1950I, T1951I, T1967I, T1968I, T1979I.
Identifiers: ClinVar variation 4082971 (VCV004082971.1).